The following is an entry in ClinVar:

ClinVar aggregate classification (germline): Uncertain significance (1 of 4 stars; one submission).

Conditions:
Hereditary cancer-predisposing syndrome. Also called: Hereditary Cancer Syndrome; Hereditary neoplastic syndrome; Neoplastic Syndromes, Hereditary; Tumor predisposition. Identifiers: Orphanet 140162, MedGen C0027672, MeSH D009386, MONDO:0015356.

Submission:

Ambry Genetics
Classification: Uncertain significance for Hereditary cancer-predisposing syndrome. Last evaluated: 2022-05-12. Review status: criteria provided, single submitter. Criteria: Ambry Variant Classification Scheme 2023. Collection method: clinical testing. Allele origin: germline.
Comment: The p.E148K variant (also known as c.442G>A), located in coding exon 1 of the ALK gene, results from a G to A substitution at nucleotide position 442. The glutamic acid at codon 148 is replaced by lysine, an amino acid with similar properties. This amino acid position is conserved. In addition, the in silico prediction for this alteration is inconclusive. Since supporting evidence is limited at this time, the clinical significance of this alteration remains unclear.

NM_004304.5(ALK):c.442G>A (p.Glu148Lys)

Gene: ALK (ALK receptor tyrosine kinase; minus strand). Cytogenetic location: 2p23.1.
Variant type: single nucleotide variant.
Coding change: c.442G>A on transcript NM_004304.5 (MANE Select); coding-DNA position 442, G replaced by A.
Protein change: p.Glu148Lys; replaces glutamic acid 148 with lysine.
Molecular consequence: missense variant.
Genome position (GRCh38, 1-based): chr2:29,920,218, C>T on the plus strand (G>A on the coding strand, the complement: ALK is on the minus strand). VCF-style: chr2-29920218-C-T. GRCh37 (hg19) VCF-style: chr2-30143084-C-T.
Other names: short protein forms E148K.
Identifiers: ClinVar variation 1740545 (VCV001740545.2), dbSNP rs2465866031, ClinGen allele CA346590039.